The following is an entry in ClinVar:

NM_007294.4(BRCA1):c.3763A>G (p.Asn1255Asp)

Genes: BRCA1 (BRCA1 DNA repair associated; minus strand), LOC126862571 (BRD4-independent group 4 enhancer GRCh37_chr17:41243136-41244335; plus strand). Cytogenetic location: 17q21.31.
Variant type: single nucleotide variant.
Coding change: c.3763A>G on transcript NM_007294.4 (MANE Select); coding-DNA position 3763, A replaced by G.
Protein change: p.Asn1255Asp; replaces asparagine 1255 with aspartic acid.
Molecular consequence: missense variant. On other transcripts: intron variant (135).
Genome position (GRCh38, 1-based): chr17:43,091,768, T>C on the plus strand (A>G on the coding strand, the complement: BRCA1 is on the minus strand). VCF-style: chr17-43091768-T-C. GRCh37 (hg19) VCF-style: chr17-41243785-T-C.
Other names: c.3622A>G, p.Asn1208Asp (NM_001407944.1, NM_001407945.1, NM_007297.4 and 29 more transcripts); c.3430A>G, p.Asn1144Asp (NM_001407946.1, NM_001407947.1, NM_001407948.1 and 6 more transcripts); c.3427A>G, p.Asn1143Asp (NM_001407954.1, NM_001407955.1, NM_001407956.1 and 1 more transcripts); c.3763A>G, p.Asn1255Asp (NM_001407625.1, NM_001407626.1, NM_001407619.1 and 30 more transcripts); c.3760A>G, p.Asn1254Asp (NM_001407627.1, NM_001407615.1, NM_001407610.1 and 22 more transcripts); c.2875A>G, p.Asn959Asp (NM_001407967.1, NM_001407966.1); c.1159A>G, p.Asn387Asp (NM_001407968.1, NM_001407969.1); c.647-736A>G (NM_001408469.1, NM_001408453.1, NM_001408461.1 and 11 more transcripts); and 41 more; short protein forms N1127D, N1143D, N1185D, N1187D, N1213D, N1214D, N1087D, N1167D.
Identifiers: ClinVar variation 2121231 (VCV002121231.6), dbSNP rs2154289498, ClinGen allele CA10594448.

ClinVar aggregate classification (germline): Conflicting classifications of pathogenicity. Review status: criteria provided, conflicting classifications (1 of 4 stars). 2 submissions from 2 submitters: Uncertain significance (1); Likely benign (1). Last evaluated 2023-03-23.

Conditions:
Hereditary cancer-predisposing syndrome. Also called: Hereditary Cancer Syndrome; Tumor predisposition; Neoplastic Syndromes, Hereditary; Hereditary neoplastic syndrome. Identifiers: Orphanet 140162, MedGen C0027672, MeSH D009386, MONDO:0015356.
Hereditary breast ovarian cancer syndrome. Also called: Hereditary breast and ovarian cancer syndrome (HBOC); Hereditary breast and/or ovarian cancer syndrome; Hereditary breast and ovarian cancer; BRCA1- and BRCA2-Associated Hereditary Breast and Ovarian Cancer; Breast and ovarian cancer; Hereditary breast and ovarian cancer syndrome. Identifiers: Orphanet 145, MedGen C0677776, MeSH D061325, MONDO:0003582. Disease mechanism: loss of function.

Submissions (2):

University of Washington Department of Laboratory Medicine, University of Washington
Classification: Likely benign for Hereditary cancer-predisposing syndrome. Last evaluated: 2023-03-23. Review status: criteria provided, single submitter. Criteria: Dines et al. (Genet Med. 2020). Collection method: curation. Allele origin: germline.
Comment: Missense variant in a coldspot region where missense variants are very unlikely to be pathogenic (PMID:31911673).

BRCA1 coldspot (exon 11 using historical exon numbering). Reclassification based on statistical prior probability

Labcorp Genetics (formerly Invitae), Labcorp
Classification: Uncertain significance for Hereditary breast ovarian cancer syndrome. Last evaluated: 2022-04-04. Review status: criteria provided, single submitter. Criteria: Invitae Variant Classification Sherloc (09022015). Collection method: clinical testing. Allele origin: germline.
Comment: This variant is not present in population databases (gnomAD no frequency). In summary, the available evidence is currently insufficient to determine the role of this variant in disease. Therefore, it has been classified as a Variant of Uncertain Significance. Advanced modeling of protein sequence and biophysical properties (such as structural, functional, and spatial information, amino acid conservation, physicochemical variation, residue mobility, and thermodynamic stability) performed at Invitae indicates that this missense variant is not expected to disrupt BRCA1 protein function. This variant has not been reported in the literature in individuals affected with BRCA1-related conditions. This sequence change replaces asparagine, which is neutral and polar, with aspartic acid, which is acidic and polar, at codon 1255 of the BRCA1 protein (p.Asn1255Asp).